The following is an entry in ClinVar:

ClinVar aggregate classification (germline): Uncertain significance (1 of 4 stars; one submission).

Submission:

GeneDx
Classification: Uncertain significance. Last evaluated: 2026-01-21. Review status: criteria provided, single submitter. Criteria: GeneDx Variant Classification Process June 2021. Collection method: clinical testing. Allele origin: germline.
Comment: Not observed at significant frequency in large population cohorts (gnomAD); In-frame deletion of 1 amino acid(s) in a non-repeat region; In silico analysis supports a deleterious effect on protein structure/function; Has not been previously published as pathogenic or benign to our knowledge

NM_014112.5(TRPS1):c.2667_2669del (p.Asn889del)

Gene: TRPS1 (transcriptional repressor GATA binding 1; minus strand). Cytogenetic location: 8q23.3.
Variant type: Deletion.
Coding change: c.2667_2669del on transcript NM_014112.5 (MANE Select); coding-DNA positions 2667 to 2669, 3 bases deleted (CAA; older notation c.2667_2669delCAA).
Protein change: p.Asn889del; deletes asparagine 889.
Molecular consequence: inframe deletion.
Genome position (GRCh38, 1-based): chr8:115,587,032-115,587,034, TTG deleted on the plus strand (CAA on the coding strand, the reverse complement: TRPS1 is on the minus strand); deleting any 3 consecutive bases within chr8:115,587,032-115,587,036 gives the same sequence; the c. name uses the placement nearest the transcript's 3' end. VCF-style (leftmost placement, unchanged base first): chr8-115587031-CTTG-C. GRCh37 (hg19) VCF-style: chr8-116599258-CTTG-C.
Other names: c.2640_2642del, p.Asn880del (NM_001282902.3); c.2646_2648del, p.Asn882del (NM_001282903.3); c.2628_2630del, p.Asn876del (NM_001330599.2); short protein forms N876del, N880del, N882del, N889del.
Identifiers: ClinVar variation 4975259 (VCV004975259.1).